The following is an entry in ClinVar:

Single allele

Genes: ITGB1BP2 (integrin subunit beta 1 binding protein 2; plus strand), NONO (non-POU domain containing octamer binding; plus strand). Cytogenetic location: Xq13.1.
Variant type: Deletion.
Identifiers: ClinVar variation 4086088 (VCV004086088.1).

ClinVar aggregate classification (germline): Likely pathogenic (1 of 4 stars; one submission).

Conditions:
Intellectual developmental disorder, X-linked, syndromic 34. Also called: MENTAL RETARDATION, X-LINKED, SYNDROMIC, MIRCSOF-LANGOUET TYPE; Syndromic X-linked intellectual disability 34. Identifiers: Orphanet 466791, MedGen C4225417, MONDO:0010501, OMIM 300967.

Submission:

Prenatal Diagnostic Center, Dongguan Maternal and Child Health Care Hospital
Classification: Likely pathogenic for Intellectual developmental disorder, X-linked, syndromic 34. Last evaluated: 2025-09-09. Review status: criteria provided, single submitter. Criteria: ACMG Guidelines, 2015. Collection method: clinical testing. Allele origin: germline. Inheritance: X-linked inheritance. Affected: yes. Observed: 1 hemizygote.
Comment: WES revealed an Xq13.1 hemizygous deletion, encompassing exons 6-13 of the NONO gene. Structural analysis indicates that the deletion affects a significant portion of the NONO protein, as it spans the last eight coding exons (PVS1_strong), approximately 10 kb, including part of the RRM1 domain and subsequent regions. This deletion is absent from the gnomAD (PM2) and has not been previously reported in the literature. The cumulative evidence supports the causative role of the NONO gene in the affected male and the deletion was classified as likely pathogenic, according to the ACMG/AMP guidelines (PVS1_strong, PM2)